The following is an entry in ClinVar:

NM_000453.3(SLC5A5):c.1188G>A (p.Ser396=)

Gene: SLC5A5 (solute carrier family 5 member 5; plus strand). Cytogenetic location: 19p13.11.
Variant type: single nucleotide variant.
Coding change: c.1188G>A on transcript NM_000453.3 (MANE Select); coding-DNA position 1188, G replaced by A.
Protein change: p.Ser396=; no amino-acid change (serine 396 retained).
Molecular consequence: synonymous variant.
Genome position (GRCh38, 1-based): chr19:17,882,165, G>A. VCF-style: chr19-17882165-G-A. GRCh37 (hg19) VCF-style: chr19-17992974-G-A.
Other names: c.1188G>A (NM_000453.2).
Identifiers: ClinVar variation 2890662 (VCV002890662.5), dbSNP rs376858123, ClinGen allele CA9303049.

ClinVar aggregate classification (germline): Likely benign. Review status: criteria provided, single submitter (1 of 4 stars). 2 submissions from 2 submitters: Likely benign (1). 1 of the submissions does not count toward it. Last evaluated 2025-12-27.

Conditions:
SLC5A5-related disorder. Also called: SLC5A5-related condition.

Allele frequency attached by ClinVar (database versions not stated): gnomAD exomes 0.00002; TOPMed 0.00006; ExAC 0.00007; gnomAD 0.00008; ESP Exome Variant Server 0.00015.
gnomAD v4.1: 39 of 1,613,946 alleles (0.0024%); highest among the groups gnomAD compares: African/African-American, 0.023%; no homozygotes.

Submissions (2):

Labcorp Genetics (formerly Invitae), Labcorp
Classification: Likely benign. Last evaluated: 2025-12-27. Review status: criteria provided, single submitter. Criteria: Invitae Variant Classification Sherloc (09022015). Collection method: clinical testing. Allele origin: germline.

PreventionGenetics, part of Exact Sciences
Classification: Likely benign for SLC5A5-related condition. Last evaluated: 2019-02-26. Review status: no assertion criteria provided. Collection method: clinical testing. Allele origin: germline. Not counted in ClinVar's aggregate classification.
Comment: This variant is classified as likely benign based on ACMG/AMP sequence variant interpretation guidelines (Richards et al. 2015 PMID: 25741868, with internal and published modifications).